The following is an entry in ClinVar:

NR_003051.4(RMRP):n.238A>C

Gene: RMRP (RNA component of mitochondrial RNA processing endoribonuclease; minus strand). Cytogenetic location: 9p13.3.
Variant type: single nucleotide variant.
Genome position: GRCh38 VCF-style: chr9-35657782-T-G. GRCh37 (hg19) VCF-style: chr9-35657779-T-G.
Identifiers: ClinVar variation 556949 (VCV000556949.13), dbSNP rs771464779, ClinGen allele CA464450338.

ClinVar aggregate classification (germline): Uncertain significance. Review status: reviewed by expert panel (3 of 4 stars). 3 submissions from 3 submitters: Uncertain significance (1). 2 of the submissions do not count toward it. Last evaluated 2025-06-10.

Conditions:
Metaphyseal chondrodysplasia, McKusick type (CHH). Also called: Cartilage-hair hypoplasia; Cartilage-Hair Hypoplasia (CHH). Identifiers: Orphanet 175, MedGen C0220748, MONDO:0009595, OMIM 250250.
Anauxetic dysplasia. Identifiers: Orphanet 93347, MedGen C1846796, MONDO:0011773.

gnomAD v4.1: 3 of 697,184 alleles (0.00043%); highest among the groups gnomAD compares: South Asian, 0.0015%; no homozygotes.

Submissions (3):

ClinGen Severe Combined Immunodeficiency Variant Curation Expert Panel, ClinGen
Classification: Uncertain significance for Metaphyseal chondrodysplasia, McKusick type. Last evaluated: 2025-06-10. Review status: reviewed by expert panel. Criteria: ClinGen SCID ACMG Specifications RMRP V1.0.0. Collection method: curation. Allele origin: germline. Inheritance: Autosomal recessive inheritance.
Comment: The NC_000009.12:g.35657782T>G variant is absent in genomes in gnomAD v4. Therefore this code is applicable: PM2_Supporting. At least one patient with T cell lymphopenia (+0.5 points), metaphyseal dysplasia (+1.0 points), hypotrichosis (+0.5 points) with a total of 2.0 points and therefore this code is applicable: PP4_Moderate. This variant is reported at homozygous state in a proband with CHH phenotype, therefore it meets PM3_Supporting. In summary, this variant is classified as Uncertain Significance - insufficient evidence for Autosomal Recessive Cartilage Hair Hypoplasia based on the ACMG/AMP criteria applied, as specified by the ClinGen SCID VCEP: PM2_Supporting, PP4_Moderate, PM3_Supporting (SCID VCEP specifications version 1).

Labcorp Genetics (formerly Invitae), Labcorp
Classification: Uncertain significance for Anauxetic dysplasia. Last evaluated: 2022-05-06. Review status: criteria provided, single submitter. Criteria: Invitae Variant Classification Sherloc (09022015). Collection method: clinical testing. Allele origin: germline. Not counted in ClinVar's aggregate classification.
Comment: This variant occurs in the RMRP gene, which encodes an RNA molecule that does not result in a protein product. This variant is present in population databases (no rsID available, gnomAD 0.01%). This variant has not been reported in the literature in individuals affected with RMRP-related conditions. ClinVar contains an entry for this variant (Variation ID: 556949). Experimental studies and prediction algorithms are not available or were not evaluated, and the functional significance of this variant is currently unknown. In summary, the available evidence is currently insufficient to determine the role of this variant in disease. Therefore, it has been classified as a Variant of Uncertain Significance.

Counsyl
Classification: Uncertain significance for Metaphyseal chondrodysplasia, McKusick type. Last evaluated: 2018-02-27. Review status: no assertion criteria provided. Collection method: clinical testing. Allele origin: unknown. Not counted in ClinVar's aggregate classification.